The following is an entry in ClinVar:

NM_001148.6(ANK2):c.9455C>A (p.Thr3152Asn)

Gene: ANK2 (ankyrin 2; plus strand). Cytogenetic location: 4q26.
Variant type: single nucleotide variant.
Coding change: c.9455C>A on transcript NM_001148.6 (MANE Select); coding-DNA position 9455, C replaced by A.
Protein change: p.Thr3152Asn; replaces threonine 3152 with asparagine.
Molecular consequence: missense variant. On other transcripts: intron variant (68).
Genome position (GRCh38, 1-based): chr4:113,358,073, C>A. VCF-style: chr4-113358073-C-A. GRCh37 (hg19) VCF-style: chr4-114279229-C-A.
Other names: c.9221C>A, p.Thr3074Asn (NM_001386142.1); c.5855C>A, p.Thr1952Asn (NM_001386166.1); c.9596C>A, p.Thr3199Asn (NM_001386174.1); c.9572C>A, p.Thr3191Asn (NM_001386175.1); c.4412-2750C>A (NM_001386186.2, NM_001386148.2); c.4214-2750C>A (NM_001354269.3); c.4292-2750C>A (NM_001386187.2); c.4253-2750C>A (NM_001386147.1); and 35 more; short protein forms T3074N, T1952N, T3152N, T3191N, T3199N.
Identifiers: ClinVar variation 1767005 (VCV001767005.2), dbSNP rs766143754, ClinGen allele CA357937608.

ClinVar aggregate classification (germline): Uncertain significance (1 of 4 stars; one submission).

Conditions:
Cardiovascular phenotype. Identifiers: MedGen CN230736.

gnomAD v4.1: 1 of 1,614,084 alleles (0.000062%); highest among the groups gnomAD compares: Admixed American, 0.0017%; no homozygotes.

Submission:

Ambry Genetics
Classification: Uncertain significance for Cardiovascular phenotype. Last evaluated: 2022-02-11. Review status: criteria provided, single submitter. Criteria: Ambry Variant Classification Scheme 2023. Collection method: clinical testing. Allele origin: germline.
Comment: The p.T3152N variant (also known as c.9455C>A), located in coding exon 38 of the ANK2 gene, results from a C to A substitution at nucleotide position 9455. The threonine at codon 3152 is replaced by asparagine, an amino acid with similar properties. This amino acid position is conserved. In addition, this alteration is predicted to be tolerated by in silico analysis. Since supporting evidence is limited at this time, the clinical significance of this alteration remains unclear.